The following is an entry in ClinVar:

NM_001162383.2(ARHGEF2):c.1455G>A (p.Thr485=)

Genes: ARHGEF2 (Rho/Rac guanine nucleotide exchange factor 2; minus strand), LOC122128443 (CDK7 strongly-dependent group 2 enhancer GRCh37_chr1:155931313-155932512; plus strand). Cytogenetic location: 1q22.
Variant type: single nucleotide variant.
Coding change: c.1455G>A on transcript NM_001162383.2 (MANE Select); coding-DNA position 1455, G replaced by A.
Protein change: p.Thr485=; no amino-acid change (threonine 485 retained).
Molecular consequence: synonymous variant.
Genome position (GRCh38, 1-based): chr1:155,961,674, C>T on the plus strand (G>A on the coding strand, the complement: ARHGEF2 is on the minus strand). VCF-style: chr1-155961674-C-T. GRCh37 (hg19) VCF-style: chr1-155931465-C-T.
Other names: c.1374G>A, p.Thr458= (NM_001350111.2, NM_001350110.2); c.1401G>A, p.Thr467= (NM_001350112.2); c.1371G>A, p.Thr457= (NM_004723.4); c.1452G>A, p.Thr484= (NM_001162384.2).
Identifiers: ClinVar variation 2639441 (VCV002639441.24), dbSNP rs141911684, ClinGen allele CA1153273.

ClinVar aggregate classification (germline): Likely benign (1 of 4 stars; one submission).

Allele frequency attached by ClinVar (database versions not stated): ExAC 0.00043; 1000 Genomes Project 0.00060; 1000 Genomes Project 30x 0.00062; gnomAD 0.00068; TOPMed 0.00070; ESP Exome Variant Server 0.00085; gnomAD exomes 0.00117.

Submission:

CeGaT Center for Human Genetics Tuebingen
Classification: Likely benign. Last evaluated: 2022-04-01. Review status: criteria provided, single submitter. Criteria: CeGaT Center For Human Genetics Tuebingen Variant Classification Criteria Version 2. Collection method: clinical testing. Allele origin: germline. Affected: yes. Observed: 1 variant allele.
Comment: ARHGEF2: BP4, BP7